The following is an entry in ClinVar:

NM_004706.4(ARHGEF1):c.1092G>T (p.Glu364Asp)

Gene: ARHGEF1 (Rho guanine nucleotide exchange factor 1; plus strand). Cytogenetic location: 19q13.2.
Variant type: single nucleotide variant.
Coding change: c.1092G>T on transcript NM_004706.4 (MANE Select); coding-DNA position 1092, G replaced by T.
Protein change: p.Glu364Asp; replaces glutamic acid 364 with aspartic acid.
Molecular consequence: missense variant.
Genome position (GRCh38, 1-based): chr19:41,896,453, G>T. VCF-style: chr19-41896453-G-T. GRCh37 (hg19) VCF-style: chr19-42400526-G-T.
Other names: c.993G>T, p.Glu331Asp (NM_198977.2); c.1137G>T, p.Glu379Asp (NM_199002.2); short protein forms E331D, E379D, E364D.
Identifiers: ClinVar variation 1047233 (VCV001047233.8), dbSNP rs1555847634, ClinGen allele CA406056134.

ClinVar aggregate classification (germline): Uncertain significance (1 of 4 stars; one submission).

Allele frequency attached by ClinVar (database versions not stated): TOPMed below 0.00001; gnomAD 0.00001; gnomAD exomes 0.00002.
gnomAD v4.1: 5 of 1,483,854 alleles (0.00034%); highest among the groups gnomAD compares: Non-Finnish European, 0.00036%; no homozygotes.

Submission:

Labcorp Genetics (formerly Invitae), Labcorp
Classification: Uncertain significance. Last evaluated: 2020-10-08. Review status: criteria provided, single submitter. Criteria: Invitae Variant Classification Sherloc (09022015). Collection method: clinical testing. Allele origin: germline.
Comment: In summary, the available evidence is currently insufficient to determine the role of this variant in disease. Therefore, it has been classified as a Variant of Uncertain Significance. Algorithms developed to predict the effect of missense changes on protein structure and function output the following: SIFT: "Deleterious"; PolyPhen-2: "Benign"; Align-GVGD: "Class C35". The aspartic acid amino acid residue is found in multiple mammalian species, suggesting that this missense change does not adversely affect protein function. These predictions have not been confirmed by published functional studies and their clinical significance is uncertain. This variant has not been reported in the literature in individuals with ARHGEF1-related conditions. The frequency data for this variant in the population databases is considered unreliable, as metrics indicate insufficient coverage at this position in the ExAC database. This sequence change replaces glutamic acid with aspartic acid at codon 379 of the ARHGEF1 protein (p.Glu379Asp). The glutamic acid residue is highly conserved and there is a small physicochemical difference between glutamic acid and aspartic acid.